The following is an entry in ClinVar:

ClinVar aggregate classification (germline): Pathogenic/Likely pathogenic. Review status: criteria provided, multiple submitters, no conflicts (2 of 4 stars). 5 submissions from 5 submitters: Pathogenic (2); Likely pathogenic (3). Last evaluated 2024-05-09.

Conditions:
ABCA4-related disorder. Also called: ABCA4-related condition; ABCA4-related disorders. Identifiers: MedGen CN239167.
Severe early-childhood-onset retinal dystrophy (STGD1). Also called: Stargardt macular dystrophy; Juvenile onset macular degeneration; Stargardt disease 1; MACULAR DYSTROPHY WITH FLECKS, TYPE 1; STGD. Identifiers: Orphanet 364055, Orphanet 827, MedGen C1855465, MeSH D000080362, MONDO:0009549, OMIM 248200.
Cone-rod dystrophy 3 (CORD3). Identifiers: Orphanet 1872, MedGen C1858806, MONDO:0011395, OMIM 604116.
Retinitis pigmentosa 19 (RP19). Also called: ABCA4-Related Retinitis Pigmentosa. Identifiers: Orphanet 791, MedGen C1866422, MONDO:0011137, OMIM 601718.
Age related macular degeneration 2. Also called: MACULAR DEGENERATION, SENILE; MACULOPATHY, AGE-RELATED, 2; MACULOPATHY, AGE-RELATED. Identifiers: MedGen C3495438, MONDO:0007932, OMIM 153800.
Retinitis pigmentosa (RP). Identifiers: Orphanet 791, MedGen C0035334, MeSH D012174, MONDO:0019200, OMIM 268000. Inheritance: Autosomal dominant, autosomal recessive and X linked inheritance.

Allele frequency attached by ClinVar (database versions not stated): gnomAD exomes below 0.00001.
gnomAD v4.1: 3 of 1,614,204 alleles (0.00019%); highest among the groups gnomAD compares: South Asian, 0.0022%; no homozygotes.

Submissions (5):

Fulgent Genetics
Classification: Likely pathogenic for Age related macular degeneration 2; Severe early-childhood-onset retinal dystrophy; Retinitis pigmentosa 19; Cone-rod dystrophy 3. Last evaluated: 2024-05-09. Review status: criteria provided, single submitter. Criteria: ACMG Guidelines, 2015. Collection method: clinical testing. Allele origin: germline.

Women's Health and Genetics/Laboratory Corporation of America, LabCorp
Classification: Likely pathogenic for Retinitis pigmentosa. Last evaluated: 2024-04-30. Review status: criteria provided, single submitter. Criteria: LabCorp Variant Classification Summary - May 2015. Collection method: clinical testing. Allele origin: germline.
Comment: Variant summary: ABCA4 c.6191C>T (p.Ala2064Val) results in a non-conservative amino acid change located in the ABC transporter-like, ATP-binding domain (IPR003439) of the encoded protein sequence. Three of five in-silico tools predict a damaging effect of the variant on protein function. The variant allele was found at a frequency of 4e-06 in 251452 control chromosomes. c.6191C>T has been reported in the literature in at least one homozygous individual affected with ABCA4-associated disease or in a compound heterozygous individual affected with Stargardt disease who carried two additional variants, each in cis and trans to c.6191C>T (e.g. Lee_2017, Nassisi_2018). These data indicate that the variant may be associated with disease. To our knowledge, no experimental evidence demonstrating an impact on protein function has been reported. A different variant located at the same codon (c.6190G>A, p.Ala2064Thr) has been classified as pathogenic in ClinVar (1457651), supporting a critical relevance of this residue to ABCA4 protein function. The following publications have been ascertained in the context of this evaluation (PMID: 35120629, 28327576, 30060493). ClinVar contains an entry for this variant (Variation ID: 865907). Based on the evidence outlined above, the variant was classified as likely pathogenic.

GeneDx
Classification: Likely pathogenic. Last evaluated: 2024-01-11. Review status: criteria provided, single submitter. Criteria: GeneDx Variant Classification Process June 2021. Collection method: clinical testing. Allele origin: germline. Affected: yes.
Comment: Observed on the same allele (in cis) with p.(N1868I) and on the opposite allele (in trans) with (c.4537dup) in published literature (PMID: 30060493); Not observed at significant frequency in large population cohorts (gnomAD); In silico analysis supports that this missense variant has a deleterious effect on protein structure/function; This variant is associated with the following publications: (PMID: 28327576, 30060493)

Labcorp Genetics (formerly Invitae), Labcorp
Classification: Pathogenic. Last evaluated: 2023-09-23. Review status: criteria provided, single submitter. Criteria: Invitae Variant Classification Sherloc (09022015). Collection method: clinical testing. Allele origin: germline.
Comment: Advanced modeling of protein sequence and biophysical properties (such as structural, functional, and spatial information, amino acid conservation, physicochemical variation, residue mobility, and thermodynamic stability) performed at Invitae indicates that this missense variant is expected to disrupt ABCA4 protein function. ClinVar contains an entry for this variant (Variation ID: 865907). This variant disrupts the p.Ala2064 amino acid residue in ABCA4. Other variant(s) that disrupt this residue have been determined to be pathogenic (PMID: 25474345, 26780318, 27739528, 33261146). This suggests that this residue is clinically significant, and that variants that disrupt this residue are likely to be disease-causing. For these reasons, this variant has been classified as Pathogenic. This variant is present in population databases (no rsID available, gnomAD 0.003%). This missense change has been observed in individual(s) with ABCA4-related conditions (PMID: 28327576, 30060493). In at least one individual the data is consistent with being in trans (on the opposite chromosome) from a pathogenic variant. This sequence change replaces alanine, which is neutral and non-polar, with valine, which is neutral and non-polar, at codon 2064 of the ABCA4 protein (p.Ala2064Val).

Blueprint Genetics
Classification: Pathogenic for ABCA4-related disorders. Last evaluated: 2019-03-29. Review status: criteria provided, single submitter. Criteria: ACMG Guidelines, 2015. Collection method: clinical testing. Allele origin: germline. Affected: yes. Observed: 2 variant alleles.

Literature cited by the submitters: PubMed 30060493 (cited by Women's Health and Genetics/Laboratory Corporation of America, LabCorp and Labcorp Genetics (formerly Invitae), Labcorp); PubMed 35120629 (cited by Women's Health and Genetics/Laboratory Corporation of America, LabCorp); PubMed 28327576 (cited by Women's Health and Genetics/Laboratory Corporation of America, LabCorp and Labcorp Genetics (formerly Invitae), Labcorp); PubMed 25474345 (cited by Labcorp Genetics (formerly Invitae), Labcorp); PubMed 26780318 (cited by Labcorp Genetics (formerly Invitae), Labcorp); PubMed 27739528 (cited by Labcorp Genetics (formerly Invitae), Labcorp); PubMed 33261146 (cited by Labcorp Genetics (formerly Invitae), Labcorp).

NM_000350.3(ABCA4):c.6191C>T (p.Ala2064Val)

Gene: ABCA4 (ATP binding cassette subfamily A member 4; minus strand). Cytogenetic location: 1p22.1.
Variant type: single nucleotide variant.
Coding change: c.6191C>T on transcript NM_000350.3 (MANE Select); coding-DNA position 6191, C replaced by T.
Protein change: p.Ala2064Val; replaces alanine 2064 with valine.
Molecular consequence: missense variant.
Genome position (GRCh38, 1-based): chr1:94,001,949, G>A on the plus strand (C>T on the coding strand, the complement: ABCA4 is on the minus strand). VCF-style: chr1-94001949-G-A. GRCh37 (hg19) VCF-style: chr1-94467505-G-A.
Other names: c.5969C>T, p.Ala1990Val (NM_001425324.1); short protein forms A2064V, A1990V.
Identifiers: ClinVar variation 865907 (VCV000865907.8), dbSNP rs1362964563, ClinGen allele CA341278309.